The following is an entry in ClinVar:

NM_016734.3(PAX5):c.809T>C (p.Leu270Pro)

Gene: PAX5 (paired box 5; minus strand). Cytogenetic location: 9p13.2.
Variant type: single nucleotide variant.
Coding change: c.809T>C on transcript NM_016734.3 (MANE Select); coding-DNA position 809, T replaced by C.
Protein change: p.Leu270Pro; replaces leucine 270 with proline.
Molecular consequence: missense variant. On other transcripts: intron variant (2).
Genome position (GRCh38, 1-based): chr9:36,923,456, A>G on the plus strand (T>C on the coding strand, the complement: PAX5 is on the minus strand). VCF-style: chr9-36923456-A-G. GRCh37 (hg19) VCF-style: chr9-36923453-A-G.
Other names: c.809T>C, p.Leu270Pro (NM_001280547.2, NM_001280548.2, NM_001280552.2); c.485T>C, p.Leu162Pro (NM_001280551.2, NM_001280556.2); c.680T>C, p.Leu227Pro (NM_001280553.2, NM_001280554.2); c.611T>C, p.Leu204Pro (NM_001280555.2); c.780+43093T>C (NM_001280550.2, NM_001280549.2); short protein forms L162P, L204P, L227P, L270P.
Identifiers: ClinVar variation 3899619 (VCV003899619.1).

ClinVar aggregate classification (germline): Uncertain significance (1 of 4 stars; one submission).

Submission:

GeneDx
Classification: Uncertain significance. Last evaluated: 2024-11-15. Review status: criteria provided, single submitter. Criteria: GeneDx Variant Classification Process June 2021. Collection method: clinical testing. Allele origin: germline. Affected: yes.
Comment: Not observed at significant frequency in large population cohorts (gnomAD); In silico analysis supports that this missense variant has a deleterious effect on protein structure/function; Has not been previously published as pathogenic or benign to our knowledge